The following is an entry in ClinVar:

ClinVar aggregate classification (germline): Uncertain significance (1 of 4 stars; one submission).

Conditions:
Hereditary cancer-predisposing syndrome. Also called: Tumor predisposition; Hereditary Cancer Syndrome; Neoplastic Syndromes, Hereditary; Hereditary neoplastic syndrome. Identifiers: Orphanet 140162, MedGen C0027672, MeSH D009386, MONDO:0015356.

Submission:

Color Diagnostics, LLC DBA Color Health
Classification: Uncertain significance for Hereditary cancer-predisposing syndrome. Last evaluated: 2024-03-07. Review status: criteria provided, single submitter. Criteria: ACMG Guidelines, 2015. Collection method: clinical testing. Allele origin: germline.
Comment: This missense variant replaces serine with threonine at codon 677 of the ATM protein. Computational prediction suggests that this variant may not impact protein structure and function (internally defined REVEL score threshold <= 0.5, PMID: 27666373). To our knowledge, functional studies have not been reported for this variant. This variant has not been reported in individuals affected with hereditary cancer in the literature. This variant has not been identified in the general population by the Genome Aggregation Database (gnomAD). The available evidence is insufficient to determine the role of this variant in disease conclusively. Therefore, this variant is classified as a Variant of Uncertain Significance.

NM_000051.4(ATM):c.2030G>C (p.Ser677Thr)

Gene: ATM (ATM serine/threonine kinase; plus strand). Cytogenetic location: 11q22.3.
Variant type: single nucleotide variant.
Coding change: c.2030G>C on transcript NM_000051.4 (MANE Select); coding-DNA position 2030, G replaced by C.
Protein change: p.Ser677Thr; replaces serine 677 with threonine.
Molecular consequence: missense variant.
Genome position (GRCh38, 1-based): chr11:108,253,945, G>C. VCF-style: chr11-108253945-G-C. GRCh37 (hg19) VCF-style: chr11-108124672-G-C.
Other names: c.2030G>C, p.Ser677Thr (NM_001351834.2); short protein forms S677T.
Identifiers: ClinVar variation 1332265 (VCV001332265.3), dbSNP rs2080308052, ClinGen allele CA382537377.
Genomic context (GRCh38, chr11:108,253,945, plus strand): 5'-TTGACAAGATGGACTTTTTAACCATTGTGAGAGAATGTGGTATAGAAAAGCACCAGTCCA[G>C]TATTGGCTTCTCTGTCCACCAGAATCTCAAGGAATCACTGGATCGCTGTCTTCTGGGATT-3'
Protein context (NP_000042.3, residues 667-687): RECGIEKHQS[Ser677Thr]IGFSVHQNLK